The following is an entry in ClinVar:

NC_000015.10:g.45592135del

Gene: BLOC1S6 (biogenesis of lysosomal organelles complex 1 subunit 6; plus strand). Cytogenetic location: 15q21.1.
Variant type: Deletion.
Genome position: GRCh38 VCF-style: chr15-45592133-AG-A. GRCh37 (hg19) VCF-style: chr15-45884331-AG-A.
Identifiers: ClinVar variation 3643922 (VCV003643922.1).
Genomic context (GRCh38, chr15:45,592,133, plus strand): 5'-TGACCAGCCTAAAAAAATAAAATAAATAAAAGGTTCCTAAATTTGATTTTTGCTGGGGAC[AG>A]GTTTAAGTGACACTTCTCCAGATGAAGGGTTAATAGAGGACTTGACTATAGAAGACAAAG-3'

ClinVar aggregate classification (germline): Pathogenic (1 of 4 stars; one submission).

Conditions:
Hermansky-Pudlak syndrome 9 (HPS9). Identifiers: Orphanet 280663, Orphanet 79430, MedGen C3280026, MONDO:0013606, OMIM 614171.

Submission:

Labcorp Genetics (formerly Invitae), Labcorp
Classification: Pathogenic for Hermansky-Pudlak syndrome 9. Last evaluated: 2024-03-01. Review status: criteria provided, single submitter. Criteria: Invitae Variant Classification Sherloc (09022015). Collection method: clinical testing. Allele origin: germline.
Comment: This sequence change creates a premature translational stop signal (p.Gly28Valfs*2) in the BLOC1S6 gene. It is expected to result in an absent or disrupted protein product. Loss-of-function variants in BLOC1S6 are known to be pathogenic (PMID: 10610180, 21665000, 22461475). This variant is not present in population databases (gnomAD no frequency). This variant has not been reported in the literature in individuals affected with BLOC1S6-related conditions. Algorithms developed to predict the effect of sequence changes on RNA splicing suggest that this variant may disrupt the consensus splice site. For these reasons, this variant has been classified as Pathogenic.

Literature cited by the submitters: PubMed 10610180; PubMed 21665000; PubMed 22461475.